The following is an entry in ClinVar:

ClinVar aggregate classification (germline): Conflicting classifications of pathogenicity. Review status: criteria provided, conflicting classifications (1 of 4 stars). 4 submissions from 4 submitters: Uncertain significance (1); Likely benign (2). 1 of the submissions does not count toward it. Last evaluated 2026-08-01.

Conditions:
KMT2C-related disorder. Also called: KMT2C-related condition; KMT2C-related disorders.
Inborn genetic diseases. Identifiers: MedGen C0950123, MeSH D030342.

Allele frequency attached by ClinVar (database versions not stated): gnomAD exomes 0.00007 and 0.00016; ESP Exome Variant Server 0.00008; gnomAD 0.00010 and 0.00011; TOPMed 0.00012; ExAC 0.00014.
gnomAD v4.1: 137 of 1,611,734 alleles (0.0085%); highest among the groups gnomAD compares: Admixed American, 0.035%; no homozygotes.

Submissions (4):

CeGaT Center for Human Genetics Tuebingen
Classification: Uncertain significance. Last evaluated: 2026-08-01. Review status: criteria provided, single submitter. Criteria: CeGaT Center For Human Genetics Tuebingen Variant Classification Criteria Version 2. Collection method: clinical testing. Allele origin: germline. Affected: yes. Observed: 2 variant alleles.

Labcorp Genetics (formerly Invitae), Labcorp
Classification: Likely benign. Last evaluated: 2025-02-24. Review status: criteria provided, single submitter. Criteria: Invitae Variant Classification Sherloc (09022015). Collection method: clinical testing. Allele origin: germline.

Ambry Genetics
Classification: Likely benign for Inborn genetic diseases. Last evaluated: 2022-03-29. Review status: criteria provided, single submitter. Criteria: Ambry Variant Classification Scheme 2023. Collection method: clinical testing. Allele origin: germline.

PreventionGenetics, part of Exact Sciences
Classification: Likely benign for KMT2C-related condition. Last evaluated: 2019-10-30. Review status: no assertion criteria provided. Collection method: clinical testing. Allele origin: germline. Not counted in ClinVar's aggregate classification.
Comment: This variant is classified as likely benign based on ACMG/AMP sequence variant interpretation guidelines (Richards et al. 2015 PMID: 25741868, with internal and published modifications).

NM_170606.3(KMT2C):c.6530A>G (p.Gln2177Arg)

Gene: KMT2C (lysine methyltransferase 2C; minus strand). Cytogenetic location: 7q36.1.
Variant type: single nucleotide variant.
Coding change: c.6530A>G on transcript NM_170606.3 (MANE Select); coding-DNA position 6530, A replaced by G.
Protein change: p.Gln2177Arg; replaces glutamine 2177 with arginine.
Molecular consequence: missense variant.
Genome position (GRCh38, 1-based): chr7:152,181,330, T>C on the plus strand (A>G on the coding strand, the complement: KMT2C is on the minus strand). VCF-style: chr7-152181330-T-C. GRCh37 (hg19) VCF-style: chr7-151878415-T-C.
Other names: c.6530A>G (NM_170606.2); short protein forms Q2177R.
Identifiers: ClinVar variation 1564833 (VCV001564833.33), dbSNP rs201637035, ClinGen allele CA4580053.